The following is an entry in ClinVar:

NM_002615.7(SERPINF1):c.596T>A (p.Ile199Asn)

Gene: SERPINF1 (serpin family F member 1; plus strand). Cytogenetic location: 17p13.3.
Variant type: single nucleotide variant.
Coding change: c.596T>A on transcript NM_002615.7 (MANE Select); coding-DNA position 596, T replaced by A.
Protein change: p.Ile199Asn; replaces isoleucine 199 with asparagine.
Molecular consequence: missense variant.
Genome position (GRCh38, 1-based): chr17:1,772,028, T>A. VCF-style: chr17-1772028-T-A. GRCh37 (hg19) VCF-style: chr17-1675322-T-A.
Other names: c.596T>A, p.Ile199Asn (NM_001329903.2); c.35T>A, p.Ile12Asn (NM_001329904.2, NM_001329905.2); short protein forms I12N, I199N.
Identifiers: ClinVar variation 1376342 (VCV001376342.6), dbSNP rs767552827, ClinGen allele CA8274745.
Genomic context (GRCh38, chr17:1,772,028, plus strand): 5'-AGATCAACAACTGGGTGCAGGCGCAGATGAAAGGGAAGCTCGCCAGGTCCACAAAGGAAA[T>A]TCCCGATGAGATCAGCATTCTCCTTCTCGGTGTGGCGCACTTCAAGGGTGAGCGCGTCTC-3'
Protein context (NP_002606.3, residues 189-209): KGKLARSTKE[Ile199Asn]PDEISILLLG

ClinVar aggregate classification (germline): Uncertain significance (1 of 4 stars; one submission).

Allele frequency attached by ClinVar (database versions not stated): gnomAD exomes below 0.00001 and 0.00002; ExAC 0.00001.
gnomAD v4.1: 29 of 1,613,640 alleles (0.0018%); highest among the groups gnomAD compares: African/African-American, 0.004%; no homozygotes.

Submission:

Labcorp Genetics (formerly Invitae), Labcorp
Classification: Uncertain significance. Last evaluated: 2021-03-29. Review status: criteria provided, single submitter. Criteria: Invitae Variant Classification Sherloc (09022015). Collection method: clinical testing. Allele origin: germline.
Comment: This variant is present in population databases (rs767552827, ExAC 0.01%). This sequence change replaces isoleucine with asparagine at codon 199 of the SERPINF1 protein (p.Ile199Asn). The isoleucine residue is weakly conserved and there is a large physicochemical difference between isoleucine and asparagine. Algorithms developed to predict the effect of missense changes on protein structure and function are either unavailable or do not agree on the potential impact of this missense change (SIFT: "Not Available"; PolyPhen-2: "Possibly Damaging"; Align-GVGD: "Not Available"). In summary, the available evidence is currently insufficient to determine the role of this variant in disease. Therefore, it has been classified as a Variant of Uncertain Significance. This variant has not been reported in the literature in individuals with SERPINF1-related conditions.